The following is an entry in ClinVar:

NM_002693.3(POLG):c.1918C>G (p.Leu640Val)

Gene: POLG (DNA polymerase gamma, catalytic subunit; minus strand). Cytogenetic location: 15q26.1.
Variant type: single nucleotide variant.
Coding change: c.1918C>G on transcript NM_002693.3 (MANE Select); coding-DNA position 1918, C replaced by G.
Protein change: p.Leu640Val; replaces leucine 640 with valine.
Molecular consequence: missense variant.
Genome position (GRCh38, 1-based): chr15:89,325,481, G>C on the plus strand (C>G on the coding strand, the complement: POLG is on the minus strand). VCF-style: chr15-89325481-G-C. GRCh37 (hg19) VCF-style: chr15-89868712-G-C.
Other names: c.1918C>G, p.Leu640Val (NM_001126131.2); short protein forms L640V.
Identifiers: ClinVar variation 5009765 (VCV005009765.1).

ClinVar aggregate classification (germline): Uncertain significance (1 of 4 stars; one submission).

gnomAD v4.1: 1 of 1,606,936 alleles (0.000062%); highest among the groups gnomAD compares: Non-Finnish European, 0.000085%; no homozygotes.

Submission:

GeneDx
Classification: Uncertain significance. Last evaluated: 2026-02-20. Review status: criteria provided, single submitter. Criteria: GeneDx Variant Classification Process June 2021. Collection method: clinical testing. Allele origin: germline.
Comment: Not observed at significant frequency in large population cohorts (gnomAD); In silico analysis suggests that this missense variant does not alter protein structure/function; Has not been previously published as pathogenic or benign to our knowledge